The following is an entry in ClinVar:

ClinVar aggregate classification (germline): Uncertain significance. Review status: criteria provided, multiple submitters, no conflicts (2 of 4 stars). 2 submissions from 2 submitters: Uncertain significance (2). Last evaluated 2026-02-02.

Conditions:
Bethlem myopathy 1A. Also called: Bethlem Muscular Dystrophy; Bethlem myopathy 1; MYOPATHY, BENIGN CONGENITAL, WITH CONTRACTURES. Identifiers: Orphanet 610, MedGen CN029274, MONDO:0024530, OMIM 158810.

Allele frequency attached by ClinVar (database versions not stated): gnomAD exomes 0.00001.
gnomAD v4.1: 3 of 1,614,174 alleles (0.00019%); highest among the groups gnomAD compares: Non-Finnish European, 0.00025%; no homozygotes.

Submissions (2):

GeneDx
Classification: Uncertain significance. Last evaluated: 2026-02-02. Review status: criteria provided, single submitter. Criteria: GeneDx Variant Classification Process June 2021. Collection method: clinical testing. Allele origin: germline.
Comment: Not observed at significant frequency in large population cohorts (gnomAD); In silico analysis supports that this missense variant has a deleterious effect on protein structure/function; Has not been previously published as pathogenic or benign to our knowledge

Labcorp Genetics (formerly Invitae), Labcorp
Classification: Uncertain significance for Bethlem myopathy 1A. Last evaluated: 2025-12-03. Review status: criteria provided, single submitter. Criteria: Invitae Variant Classification Sherloc (09022015). Collection method: clinical testing. Allele origin: germline.
Comment: This sequence change replaces serine, which is neutral and polar, with leucine, which is neutral and non-polar, at codon 700 of the COL6A3 protein (p.Ser700Leu). This variant is not present in population databases (gnomAD no frequency). This variant has not been reported in the literature in individuals affected with COL6A3-related conditions. ClinVar contains an entry for this variant (Variation ID: 2153272). Invitae Evidence Modeling of protein sequence and biophysical properties (such as structural, functional, and spatial information, amino acid conservation, physicochemical variation, residue mobility, and thermodynamic stability) indicates that this missense variant is not expected to disrupt COL6A3 protein function with a negative predictive value of 95%. In summary, the available evidence is currently insufficient to determine the role of this variant in disease. Therefore, it has been classified as a Variant of Uncertain Significance.

NM_004369.4(COL6A3):c.2099C>T (p.Ser700Leu)

Gene: COL6A3 (collagen type VI alpha 3 chain; minus strand). Cytogenetic location: 2q37.3.
Variant type: single nucleotide variant.
Coding change: c.2099C>T on transcript NM_004369.4 (MANE Select); coding-DNA position 2099, C replaced by T.
Protein change: p.Ser700Leu; replaces serine 700 with leucine.
Molecular consequence: missense variant. On other transcripts: intron variant (1).
Genome position (GRCh38, 1-based): chr2:237,379,034, G>A on the plus strand (C>T on the coding strand, the complement: COL6A3 is on the minus strand). VCF-style: chr2-237379034-G-A. GRCh37 (hg19) VCF-style: chr2-238287677-G-A.
Other names: c.878C>T, p.Ser293Leu (NM_057164.5); c.1481C>T, p.Ser494Leu (NM_057165.5, NM_057167.4); c.677-1690C>T (NM_057166.5); short protein forms S700L, S293L, S494L.
Identifiers: ClinVar variation 2153272 (VCV002153272.5), dbSNP rs2469920785, ClinGen allele CA351214557.